The following is an entry in ClinVar:

NM_001012759.3(CTU2):c.994G>A (p.Val332Ile)

Gene: CTU2 (cytosolic thiouridylase subunit 2; plus strand). Cytogenetic location: 16q24.3.
Variant type: single nucleotide variant.
Coding change: c.994G>A on transcript NM_001012759.3 (MANE Select); coding-DNA position 994, G replaced by A.
Protein change: p.Val332Ile; replaces valine 332 with isoleucine.
Molecular consequence: missense variant.
Genome position (GRCh38, 1-based): chr16:88,713,767, G>A. VCF-style: chr16-88713767-G-A. GRCh37 (hg19) VCF-style: chr16-88780175-G-A.
Other names: c.994G>A, p.Val332Ile (NM_001012762.3); c.1207G>A, p.Val403Ile (NM_001318507.2); c.733G>A, p.Val245Ile (NM_001318513.2); c.994G>A (NM_001012759.2); short protein forms V245I, V332I, V403I.
Identifiers: ClinVar variation 1600598 (VCV001600598.11), dbSNP rs4782321, ClinGen allele CA8230683.
Genomic context (GRCh38, chr16:88,713,767, plus strand): 5'-CTGAAGGAGGTCGCTTTCTACAACCGCCTGTTCTCCGTTCCTTCTGTCTTCACACCAGCC[G>A]TCGACACCAAGGTGGGCCTTGTGGGCTGGGCAACCTCTCTCACCATTGACACCGGGGTGG-3'
Protein context (NP_001012777.1, residues 322-342): FSVPSVFTPA[Val332Ile]DTKAPEKASI

ClinVar aggregate classification (germline): Benign. Review status: criteria provided, multiple submitters, no conflicts (2 of 4 stars). 3 submissions from 3 submitters: Benign (2). 1 of the submissions does not count toward it. Last evaluated 2026-02-01.

Conditions:
CTU2-related disorder. Also called: CTU2-related condition.

Allele frequency attached by ClinVar (database versions not stated): 1000 Genomes Project 0.03934; 1000 Genomes Project 30x 0.03951; TOPMed 0.08205; ESP Exome Variant Server 0.10211.
gnomAD v4.1: 199,947 of 1,612,612 alleles (12%); highest among the groups gnomAD compares: Non-Finnish European, 15%; 14,345 homozygotes.

Submissions (3):

Labcorp Genetics (formerly Invitae), Labcorp
Classification: Benign. Last evaluated: 2026-02-01. Review status: criteria provided, single submitter. Criteria: Invitae Variant Classification Sherloc (09022015). Collection method: clinical testing. Allele origin: germline.

Breakthrough Genomics
Classification: Benign. Review status: criteria provided, single submitter. Criteria: ACMG Guidelines, 2015. Collection method: not provided. Allele origin: germline. Inheritance: Autosomal recessive inheritance. Affected: yes.

PreventionGenetics, part of Exact Sciences
Classification: Benign for CTU2-related condition. Last evaluated: 2019-10-28. Review status: no assertion criteria provided. Collection method: clinical testing. Allele origin: germline. Not counted in ClinVar's aggregate classification.
Comment: This variant is classified as benign based on ACMG/AMP sequence variant interpretation guidelines (Richards et al. 2015 PMID: 25741868, with internal and published modifications).